The following is an entry in ClinVar:

NM_024529.5(CDC73):c.1067-2A>G

Gene: CDC73 (cell division cycle 73; plus strand). Cytogenetic location: 1q31.2.
Variant type: single nucleotide variant.
Coding change: c.1067-2A>G on transcript NM_024529.5 (MANE Select); the canonical splice acceptor site of the intron before coding-DNA position 1067, A replaced by G.
Molecular consequence: splice acceptor variant.
Genome position (GRCh38, 1-based): chr1:193,212,388, A>G. VCF-style: chr1-193212388-A-G. GRCh37 (hg19) VCF-style: chr1-193181518-A-G.
Identifiers: ClinVar variation 2585780 (VCV002585780.2), dbSNP rs2102038475, ClinGen allele CA344077504.

ClinVar aggregate classification (germline): Likely pathogenic (1 of 4 stars; one submission).

Conditions:
Hereditary cancer-predisposing syndrome. Also called: Hereditary neoplastic syndrome; Tumor predisposition; Hereditary Cancer Syndrome; Neoplastic Syndromes, Hereditary. Identifiers: Orphanet 140162, MedGen C0027672, MeSH D009386, MONDO:0015356.

Submission:

Ambry Genetics
Classification: Likely pathogenic for Hereditary cancer-predisposing syndrome. Last evaluated: 2023-09-07. Review status: criteria provided, single submitter. Criteria: Ambry Variant Classification Scheme 2023. Collection method: clinical testing. Allele origin: germline.
Comment: The c.1067-2A>G intronic variant results from an A to G substitution two nucleotides upstream from coding exon 13 in the CDC73 gene. This nucleotide position is highly conserved in available vertebrate species. In silico splice site analysis predicts that this alteration will weaken the native splice acceptor site; however, direct evidence is insufficient at this time (Ambry internal data). This variant is considered to be rare based on population cohorts in the Genome Aggregation Database (gnomAD). Based on the majority of available evidence to date, this variant is likely to be pathogenic.